The following is an entry in ClinVar:

NM_001378328.1(CELSR1):c.5981T>C (p.Leu1994Pro)

Gene: CELSR1 (cadherin EGF LAG seven-pass G-type receptor 1; minus strand). Cytogenetic location: 22q13.31.
Variant type: single nucleotide variant.
Coding change: c.5981T>C on transcript NM_001378328.1 (MANE Select); coding-DNA position 5981, T replaced by C.
Protein change: p.Leu1994Pro; replaces leucine 1994 with proline.
Molecular consequence: missense variant.
Genome position (GRCh38, 1-based): chr22:46,391,800, A>G on the plus strand (T>C on the coding strand, the complement: CELSR1 is on the minus strand). VCF-style: chr22-46391800-A-G. GRCh37 (hg19) VCF-style: chr22-46787697-A-G.
Other names: c.5981T>C, p.Leu1994Pro (NM_014246.4); short protein forms L1994P.
Identifiers: ClinVar variation 3057034 (VCV003057034.2), dbSNP rs6008795, ClinGen allele CA10293993.

ClinVar aggregate classification (germline): Benign (0 of 4 stars; one submission).

Conditions:
CELSR1-related disorder. Also called: CELSR1-related condition.

Allele frequency attached by ClinVar (database versions not stated): gnomAD exomes 0.15905; ExAC 0.16083; 1000 Genomes Project 0.19888; 1000 Genomes Project 30x 0.20721; gnomAD 0.22097; ESP Exome Variant Server 0.22455; TOPMed 0.22968.
gnomAD v4.1: 265,185 of 1,609,366 alleles (16%); highest among the groups gnomAD compares: African/African-American, 42%; 25,759 homozygotes.

Submission:

PreventionGenetics, part of Exact Sciences
Classification: Benign for CELSR1-related condition. Last evaluated: 2019-08-02. Review status: no assertion criteria provided. Collection method: clinical testing. Allele origin: germline.
Comment: This variant is classified as benign based on ACMG/AMP sequence variant interpretation guidelines (Richards et al. 2015 PMID: 25741868, with internal and published modifications).